The following is an entry in ClinVar:

NM_000540.3(RYR1):c.1318G>A (p.Val440Ile)

Gene: RYR1 (ryanodine receptor 1; plus strand). Cytogenetic location: 19q13.2.
Variant type: single nucleotide variant.
Coding change: c.1318G>A on transcript NM_000540.3 (MANE Select); coding-DNA position 1318, G replaced by A.
Protein change: p.Val440Ile; replaces valine 440 with isoleucine.
Molecular consequence: missense variant.
Genome position (GRCh38, 1-based): chr19:38,452,892, G>A. VCF-style: chr19-38452892-G-A. GRCh37 (hg19) VCF-style: chr19-38943532-G-A.
Other names: c.1318G>A, p.Val440Ile (NM_001042723.2); short protein forms V440I.
Identifiers: ClinVar variation 654450 (VCV000654450.23), dbSNP rs763251588, ClinGen allele CA059636.

ClinVar aggregate classification (germline): Conflicting classifications of pathogenicity. Review status: criteria provided, conflicting classifications (1 of 4 stars). 6 submissions from 6 submitters: Uncertain significance (3); Likely benign (3). Last evaluated 2026-01-12.

Conditions:
Inborn genetic diseases. Identifiers: MedGen C0950123, MeSH D030342.
RYR1-related disorder. Also called: RYR1-related disorders; RYR1-related condition. Identifiers: MedGen CN239331.
Malignant hyperthermia, susceptibility to, 1 (MHS1). Also called: RYR1-Related Malignant Hyperthermia Susceptibility; Malignant hyperthermia suceptibility 1; Anesthesia related hyperthermia; Malignant hyperpyrexia; Fulminating hyperpyrexia; Pharmacogenic myopathy. Identifiers: Orphanet 423, MedGen C2930980, MONDO:0007783, OMIM 145600.

Allele frequency attached by ClinVar (database versions not stated): gnomAD 0.00001 and 0.00003; TOPMed 0.00003; gnomAD exomes 0.00010; ExAC 0.00013.
gnomAD v4.1: 37 of 1,612,972 alleles (0.0023%); highest among the groups gnomAD compares: East Asian, 0.049%; no homozygotes.

Submissions (6):

PreventionGenetics, part of Exact Sciences
Classification: Uncertain significance for RYR1-related condition. Last evaluated: 2026-01-12. Review status: criteria provided, single submitter. Criteria: ACMG Guidelines, 2015. Collection method: clinical testing. Allele origin: germline.
Comment: The RYR1 c.1318G>A variant is predicted to result in the amino acid substitution p.Val440Ile. To our knowledge, this variant has not been reported in the literature. This variant is reported in 0.13% of alleles in individuals of East Asian descent in gnomAD v2. However, in gnomAD v4 (available only on GRCh38), this variant is reported in 0.049% of alleles in individuals of East Asian descent, including zero homozygote(s). At this time, the clinical significance of this variant is uncertain due to the absence of conclusive functional and genetic evidence.

Labcorp Genetics (formerly Invitae), Labcorp
Classification: Likely benign for RYR1-related disorder. Last evaluated: 2025-07-09. Review status: criteria provided, single submitter. Criteria: Invitae Variant Classification Sherloc (09022015). Collection method: clinical testing. Allele origin: germline.

Ambry Genetics
Classification: Likely benign for Inborn genetic diseases. Last evaluated: 2025-06-07. Review status: criteria provided, single submitter. Criteria: Ambry Variant Classification Scheme 2023. Collection method: clinical testing. Allele origin: germline.

Revvity Omics, Revvity
Classification: Uncertain significance. Last evaluated: 2025-01-29. Review status: criteria provided, single submitter. Criteria: ACMG Guidelines, 2015. Collection method: clinical testing. Allele origin: germline.

Blueprint Genetics
Classification: Uncertain significance. Last evaluated: 2024-05-28. Review status: criteria provided, single submitter. Criteria: ACMG Guidelines, 2015. Collection method: clinical testing. Allele origin: germline.

Color Diagnostics, LLC DBA Color Health
Classification: Likely benign for Malignant hyperthermia, susceptibility to, 1. Last evaluated: 2023-12-11. Review status: criteria provided, single submitter. Criteria: ACMG Guidelines, 2015. Collection method: clinical testing. Allele origin: germline.